The following is an entry in ClinVar:

NM_001032283.3(TMPO):c.565+1949C>G

Gene: TMPO (thymopoietin; plus strand). Cytogenetic location: 12q23.1.
Variant type: single nucleotide variant.
Coding change: c.565+1949C>G on transcript NM_001032283.3 (MANE Select); 1949 bases into the intron after coding-DNA position 565, C replaced by G.
Molecular consequence: intron variant. On other transcripts: missense variant (1).
Genome position (GRCh38, 1-based): chr12:98,533,787, C>G. VCF-style: chr12-98533787-C-G. GRCh37 (hg19) VCF-style: chr12-98927565-C-G.
Other names: c.565+1949C>G (NM_001307975.2, NM_001032284.3); c.1530C>G, p.Asp510Glu (NM_003276.2); short protein forms D510E.
Identifiers: ClinVar variation 1407719 (VCV001407719.10), dbSNP rs750502531, ClinGen allele CA6732427.
Genomic context (GRCh38, chr12:98,533,787, plus strand): 5'-ATCTTTTCCCTTCCATGAATCTATTTTAAAAGTAATTGAAGAAGAATGGCAGCAAGTTGA[C>G]AGGCAGCTGCCTTCACTGGCATGCAAATATCCAGTTTCTTCCAGGGAGGCAACACAGATA-3'

ClinVar aggregate classification (germline): Uncertain significance. Review status: criteria provided, multiple submitters, no conflicts (2 of 4 stars). 2 submissions from 2 submitters: Uncertain significance (2). Last evaluated 2024-12-10.

Conditions:
Loeys-Dietz syndrome 2 (LDS2). Also called: TGFBR2-Related Loeys-Dietz Syndrome; Marfan syndrome, type 2 (formerly); AORTIC ANEURYSM, FAMILIAL THORACIC 3; MARFAN SYNDROME, TYPE II; Marfan Syndrome type 2; Marfan like connective tissue disorder. Identifiers: Orphanet 284973, Orphanet 558, MedGen C2674574, MONDO:0012427, OMIM 610168.

Allele frequency attached by ClinVar (database versions not stated): TOPMed below 0.00001; ExAC 0.00001; gnomAD exomes 0.00001.
gnomAD v4.1: 10 of 1,614,234 alleles (0.00062%); highest among the groups gnomAD compares: Middle Eastern, 0.016%; no homozygotes.

Submissions (2):

Labcorp Genetics (formerly Invitae), Labcorp
Classification: Uncertain significance for Loeys-Dietz syndrome 2. Last evaluated: 2024-12-10. Review status: criteria provided, single submitter. Criteria: Invitae Variant Classification Sherloc (09022015). Collection method: clinical testing. Allele origin: germline.
Comment: This sequence change replaces aspartic acid, which is acidic and polar, with glutamic acid, which is acidic and polar, at codon 510 of the TMPO protein (p.Asp510Glu). This variant is present in population databases (rs750502531, gnomAD 0.002%). This variant has not been reported in the literature in individuals affected with TMPO-related conditions. ClinVar contains an entry for this variant (Variation ID: 1407719). Invitae Evidence Modeling of protein sequence and biophysical properties (such as structural, functional, and spatial information, amino acid conservation, physicochemical variation, residue mobility, and thermodynamic stability) indicates that this missense variant is not expected to disrupt TMPO protein function with a negative predictive value of 80%. In summary, the available evidence is currently insufficient to determine the role of this variant in disease. Therefore, it has been classified as a Variant of Uncertain Significance.

Ambry Genetics
Classification: Uncertain significance. Last evaluated: 2021-11-19. Review status: criteria provided, single submitter. Criteria: Ambry Variant Classification Scheme 2023. Collection method: clinical testing. Allele origin: germline.
Comment: The p.D510E variant (also known as c.1530C>G), located in coding exon 4 of the TMPO gene, results from a C to G substitution at nucleotide position 1530. The aspartic acid at codon 510 is replaced by glutamic acid, an amino acid with highly similar properties. This amino acid position is conserved. In addition, this alteration is predicted to be tolerated by in silico analysis. Since supporting evidence is limited at this time, the clinical significance of this alteration remains unclear.